The following is an entry in ClinVar:

ClinVar aggregate classification (germline): Pathogenic (1 of 4 stars; one submission).

Conditions:
Retinitis pigmentosa 11 (RP11). Identifiers: Orphanet 791, MedGen C1838601, MONDO:0010828, OMIM 600138.

Submission:

Molecular Genetics Center, Sichuan Provincial People's Hospital
Classification: Pathogenic for Retinitis pigmentosa 11. Last evaluated: 2026-06-10. Review status: criteria provided, single submitter. Criteria: ACMG Guidelines, 2015. Collection method: clinical testing. Allele origin: germline. Inheritance: Autosomal dominant inheritance. Affected: yes. Observed: 1 variant allele, 1 heterozygote.
Comment: This variant is a frameshift mutation caused by a deletion, which alters the amino acid at position 219 and introduces a premature termination codon (PTC) at position 59 of the new reading frame, predicted to trigger nonsense-mediated mRNA decay (NMD) (PVS1). The variant is absent from normal population databases, indicating it is a rare variant (PM2_Supporting). According to the ACMG guidelines, this variant is classified as pathogenic (PVS1 + PM2_Supporting + PM6 + PP1).

NM_015629.4(PRPF31):c.654_655del (p.Leu219fs)

Gene: PRPF31 (pre-mRNA processing factor 31; plus strand). Cytogenetic location: 19q13.42.
Variant type: Deletion.
Coding change: c.654_655del on transcript NM_015629.4 (MANE Select); coding-DNA positions 654 to 655, 2 bases deleted (CC; older notation c.654_655delCC).
Protein change: p.Leu219fs; shifts the reading frame from leucine 219.
Molecular consequence: frameshift variant.
Genome position (GRCh38, 1-based): chr19:54,123,875-54,123,876, CC deleted. VCF-style (leftmost placement, unchanged base first): chr19-54123874-ACC-A. GRCh37 (hg19) VCF-style: chr19-54627253-ACC-A.
Other names: c.654_655delCC (NM_015629.4); short protein forms L219fs.
Identifiers: ClinVar variation 4857489 (VCV004857489.1).
Genomic context (GRCh38, chr19:54,123,874, plus strand): 5'-ACGCCTCCAAGCACCGCATCTACGAGTATGTGGAGTCCCGGATGTCCTTCATCGCACCCA[ACC>A]TGTCCATCATTATCGGGGCATCCACGGCCGCCAAGATCATGGGTGAGTCCCCGGGCTGGG-3'